The following is an entry in ClinVar:

ClinVar aggregate classification (germline): Pathogenic (1 of 4 stars; one submission).

Conditions:
Marfan syndrome (MFS). Also called: MARFAN SYNDROME, TYPE I; Marfan syndrome type 1; Marfan's syndrome; Marfan syndrome, classic; FBN1-Related Marfan Syndrome. Identifiers: Orphanet 284963, Orphanet 558, MedGen C0024796, MONDO:0007947, OMIM 154700.
Familial thoracic aortic aneurysm and aortic dissection (TAAD). Also called: Thoracic aortic aneurysms and dissections. Identifiers: Orphanet 91387, MedGen C4707243, MONDO:0019625.

Submission:

Labcorp Genetics (formerly Invitae), Labcorp
Classification: Pathogenic for Marfan syndrome; Familial thoracic aortic aneurysm and aortic dissection. Last evaluated: 2023-12-09. Review status: criteria provided, single submitter. Criteria: Invitae Variant Classification Sherloc (09022015). Collection method: clinical testing. Allele origin: germline.
Comment: This sequence change affects an acceptor splice site in intron 64 of the FBN1 gene. It is expected to disrupt RNA splicing. Variants that disrupt the donor or acceptor splice site typically lead to a loss of protein function (PMID: 16199547), and loss-of-function variants in FBN1 are known to be pathogenic (PMID: 17657824, 19293843). This variant is not present in population databases (gnomAD no frequency). Disruption of this splice site has been observed in individuals with clinical features of Marfan syndrome (Invitae). Algorithms developed to predict the effect of sequence changes on RNA splicing suggest that this variant may disrupt the consensus splice site. For these reasons, this variant has been classified as Pathogenic.

Literature cited by the submitters: PubMed 16199547; PubMed 17657824; PubMed 19293843.

NM_000138.5(FBN1):c.8052-1G>A

Gene: FBN1 (fibrillin 1; minus strand). Cytogenetic location: 15q21.1.
Variant type: single nucleotide variant.
Coding change: c.8052-1G>A on transcript NM_000138.5 (MANE Select); the canonical splice acceptor site of the intron before coding-DNA position 8052, G replaced by A.
Molecular consequence: splice acceptor variant.
Genome position (GRCh38, 1-based): chr15:48,412,744, C>T on the plus strand (G>A on the coding strand, the complement: FBN1 is on the minus strand). VCF-style: chr15-48412744-C-T. GRCh37 (hg19) VCF-style: chr15-48704941-C-T.
Other names: c.8052-1G>A (NM_001406716.1).
Identifiers: ClinVar variation 2954543 (VCV002954543.3), dbSNP rs2505375967, ClinGen allele CA392321681.